The following is an entry in ClinVar:

ClinVar aggregate classification (germline): Uncertain significance (1 of 4 stars; one submission).

Conditions:
Asphyxiating thoracic dystrophy 5 (SRTD5). Also called: SHORT-RIB THORACIC DYSPLASIA 5 WITH OR WITHOUT POLYDACTYLY; SHORT-RIB THORACIC DYSPLASIA 5 WITHOUT POLYDACTYLY. Identifiers: Orphanet 474, MedGen C3280598, MONDO:0013717, OMIM 614376.
Senior-Loken syndrome 8 (SLSN8). Identifiers: Orphanet 3156, MedGen C4225376, MONDO:0014579, OMIM 616307.

Allele frequency attached by ClinVar (database versions not stated): gnomAD 0.00001.
gnomAD v4.1: 1 of 1,613,486 alleles (0.000062%); highest among the groups gnomAD compares: African/African-American, 0.0013%; no homozygotes.

Submission:

Labcorp Genetics (formerly Invitae), Labcorp
Classification: Uncertain significance for Senior-Loken syndrome 8; Asphyxiating thoracic dystrophy 5. Last evaluated: 2022-06-09. Review status: criteria provided, single submitter. Criteria: Invitae Variant Classification Sherloc (09022015). Collection method: clinical testing. Allele origin: germline.
Comment: This sequence change replaces proline, which is neutral and non-polar, with arginine, which is basic and polar, at codon 890 of the WDR19 protein (p.Pro890Arg). In summary, the available evidence is currently insufficient to determine the role of this variant in disease. Therefore, it has been classified as a Variant of Uncertain Significance. Algorithms developed to predict the effect of missense changes on protein structure and function are either unavailable or do not agree on the potential impact of this missense change (SIFT: "Deleterious"; PolyPhen-2: "Benign"; Align-GVGD: "Class C0"). ClinVar contains an entry for this variant (Variation ID: 948237). This variant has not been reported in the literature in individuals affected with WDR19-related conditions. This variant is not present in population databases (gnomAD no frequency).

NM_025132.4(WDR19):c.2669C>G (p.Pro890Arg)

Gene: WDR19 (WD repeat domain 19; plus strand). Cytogenetic location: 4p14.
Variant type: single nucleotide variant.
Coding change: c.2669C>G on transcript NM_025132.4 (MANE Select); coding-DNA position 2669, C replaced by G.
Protein change: p.Pro890Arg; replaces proline 890 with arginine.
Molecular consequence: missense variant.
Genome position (GRCh38, 1-based): chr4:39,245,392, C>G. VCF-style: chr4-39245392-C-G. GRCh37 (hg19) VCF-style: chr4-39247012-C-G.
Other names: c.2189C>G, p.Pro730Arg (NM_001317924.2); short protein forms P730R, P890R.
Identifiers: ClinVar variation 948237 (VCV000948237.8), dbSNP rs1231847370, ClinGen allele CA356639084.
Genomic context (GRCh38, chr4:39,245,392, plus strand): 5'-CAGTACTCATACTGTTCTCCTGGACCTACCTTTCCAGGGCAAAAGTTGGTGATCTTCTGC[C>G]CCACGTTTCTTCTCCTAAGATCCATTTGCAGTATGCCAAAGCCAAGGAAGCAGATGGAAG-3'
Protein context (NP_079408.3, residues 880-900): KNWAKVGDLL[Pro890Arg]HVSSPKIHLQ